The following is an entry in ClinVar:

NM_003331.5(TYK2):c.1388A>G (p.Lys463Arg)

Gene: TYK2 (tyrosine kinase 2; minus strand). Cytogenetic location: 19p13.2.
Variant type: single nucleotide variant.
Coding change: c.1388A>G on transcript NM_003331.5 (MANE Select); coding-DNA position 1388, A replaced by G.
Protein change: p.Lys463Arg; replaces lysine 463 with arginine.
Molecular consequence: missense variant.
Genome position (GRCh38, 1-based): chr19:10,362,637, T>C on the plus strand (A>G on the coding strand, the complement: TYK2 is on the minus strand). VCF-style: chr19-10362637-T-C. GRCh37 (hg19) VCF-style: chr19-10473313-T-C.
Other names: short protein forms K463R.
Identifiers: ClinVar variation 959278 (VCV000959278.9), dbSNP rs1338265886, ClinGen allele CA404009223.

ClinVar aggregate classification (germline): Uncertain significance (1 of 4 stars; one submission).

Conditions:
Immunodeficiency 35 (IMD35). Also called: Susceptibility to infection due to TYK2 deficiency; TYK2 DEFICIENCY; HIES WITH ATYPICAL MYCOBACTERIOSIS, AUTOSOMAL RECESSIVE; HYPER-IgE SYNDROME WITH ATYPICAL MYCOBACTERIOSIS, AUTOSOMAL RECESSIVE. Identifiers: Orphanet 331226, MedGen C1969086, MONDO:0012682, OMIM 611521.

Submission:

Labcorp Genetics (formerly Invitae), Labcorp
Classification: Uncertain significance for Immunodeficiency 35. Last evaluated: 2022-10-24. Review status: criteria provided, single submitter. Criteria: Invitae Variant Classification Sherloc (09022015). Collection method: clinical testing. Allele origin: germline.
Comment: In summary, the available evidence is currently insufficient to determine the role of this variant in disease. Therefore, it has been classified as a Variant of Uncertain Significance. Advanced modeling of protein sequence and biophysical properties (such as structural, functional, and spatial information, amino acid conservation, physicochemical variation, residue mobility, and thermodynamic stability) performed at Invitae indicates that this missense variant is not expected to disrupt TYK2 protein function. ClinVar contains an entry for this variant (Variation ID: 959278). This variant has not been reported in the literature in individuals affected with TYK2-related conditions. This variant is not present in population databases (gnomAD no frequency). This sequence change replaces lysine, which is basic and polar, with arginine, which is basic and polar, at codon 463 of the TYK2 protein (p.Lys463Arg).